The following is an entry in ClinVar:

ClinVar aggregate classification (germline): Uncertain significance (1 of 4 stars; one submission).

Conditions:
Hereditary cancer-predisposing syndrome. Also called: Neoplastic Syndromes, Hereditary; Tumor predisposition; Hereditary Cancer Syndrome; Hereditary neoplastic syndrome. Identifiers: Orphanet 140162, MedGen C0027672, MeSH D009386, MONDO:0015356.

Submission:

Color Diagnostics, LLC DBA Color Health
Classification: Uncertain significance for Hereditary cancer-predisposing syndrome. Last evaluated: 2019-09-17. Review status: criteria provided, single submitter. Criteria: ACMG Guidelines, 2015. Collection method: clinical testing. Allele origin: germline.
Comment: This variant causes an in-frame deletion of 2 amino acids of the BRCA2 protein. Splice site prediction tools suggest that this variant may not impact RNA splicing. To our knowledge, functional studies have not been performed for this variant. This variant has not been reported in individuals affected with hereditary cancer in the literature. This variant has not been identified in the general population by the Genome Aggregation Database (gnomAD). The available evidence is insufficient to determine the role of this variant in disease conclusively. Therefore, this variant is classified as a Variant of Uncertain Significance.

NM_000059.4(BRCA2):c.6225_6230del (p.Val2076_Lys2077del)

Gene: BRCA2 (BRCA2 DNA repair associated; plus strand). Cytogenetic location: 13q13.1.
Variant type: Deletion.
Coding change: c.6225_6230del on transcript NM_000059.4 (MANE Select); coding-DNA positions 6225 to 6230, 6 bases deleted (AGTTAA; older notation c.6225_6230delAGTTAA).
Protein change: p.Val2076_Lys2077del.
Molecular consequence: inframe deletion.
Genome position (GRCh38, 1-based): chr13:32,340,580-32,340,585, AGTTAA deleted; deleting any 6 consecutive bases within chr13:32,340,578-32,340,585 gives the same sequence; the c. name uses the placement nearest the transcript's 3' end. VCF-style (leftmost placement, unchanged base first): chr13-32340577-CAAAGTT-C. GRCh37 (hg19) VCF-style: chr13-32914714-CAAAGTT-C.
Identifiers: ClinVar variation 925525 (VCV000925525.3), dbSNP rs2072549442, ClinGen allele CA1139663232.
Genomic context (GRCh38, chr13:32,340,577, plus strand): 5'-TTTCTCTGGATTTAGTACAGCAAGTGGAAAGCAAGTTTCCATTTTAGAAAGTTCCTTACA[CAAAGTT>C]AAGGGAGTGTTAGAGGAATTTGATTTAATCAGAACTGAGCATAGTCTTCACTATTCACCT-3'